The following is an entry in ClinVar:

NM_007259.5(VPS45):c.1339G>T (p.Ala447Ser)

Gene: VPS45 (vacuolar protein sorting 45 homolog; plus strand). Cytogenetic location: 1q21.2.
Variant type: single nucleotide variant.
Coding change: c.1339G>T on transcript NM_007259.5 (MANE Select); coding-DNA position 1339, G replaced by T.
Protein change: p.Ala447Ser; replaces alanine 447 with serine.
Molecular consequence: missense variant. On other transcripts: non-coding transcript variant (1).
Genome position (GRCh38, 1-based): chr1:150,092,377, G>T. VCF-style: chr1-150092377-G-T. GRCh37 (hg19) VCF-style: chr1-150064471-G-T.
Other names: c.1024G>T, p.Ala342Ser (NM_001279353.2); c.1231G>T, p.Ala411Ser (NM_001279354.2); short protein forms A342S, A447S, A411S.
Identifiers: ClinVar variation 2195265 (VCV002195265.1), dbSNP rs922479931, ClinGen allele CA29991731.

ClinVar aggregate classification (germline): Uncertain significance (1 of 4 stars; one submission).

Conditions:
Congenital neutropenia-myelofibrosis-nephromegaly syndrome. Also called: Severe congenital neutropenia 5, autosomal recessive. Identifiers: Orphanet 369852, MedGen C3809031, MONDO:0014118, OMIM 615285.

Allele frequency attached by ClinVar (database versions not stated): gnomAD exomes 0.00001; gnomAD 0.00002; TOPMed 0.00002.

Submission:

Labcorp Genetics (formerly Invitae), Labcorp
Classification: Uncertain significance for Congenital neutropenia-myelofibrosis-nephromegaly syndrome. Last evaluated: 2022-03-27. Review status: criteria provided, single submitter. Criteria: Invitae Variant Classification Sherloc (09022015). Collection method: clinical testing. Allele origin: germline.
Comment: This sequence change replaces alanine, which is neutral and non-polar, with serine, which is neutral and polar, at codon 447 of the VPS45 protein (p.Ala447Ser). This variant is present in population databases (no rsID available, gnomAD 0.003%). This variant has not been reported in the literature in individuals affected with VPS45-related conditions. Algorithms developed to predict the effect of missense changes on protein structure and function output the following: SIFT: "Tolerated"; PolyPhen-2: "Benign"; Align-GVGD: "Class C0". The serine amino acid residue is found in multiple mammalian species, which suggests that this missense change does not adversely affect protein function. In summary, the available evidence is currently insufficient to determine the role of this variant in disease. Therefore, it has been classified as a Variant of Uncertain Significance.